The following is an entry in ClinVar:

ClinVar aggregate classification (germline): Pathogenic (1 of 4 stars; one submission).

Conditions:
Hyper-IgM syndrome type 5 (HIGM5). Also called: Hyper-IgM Immunodeficiency Syndrome, Type 5. Identifiers: Orphanet 101092, MedGen C1720958, MONDO:0011971, OMIM 608106.

Allele frequency attached by ClinVar (database versions not stated): gnomAD exomes below 0.00001; ExAC 0.00001; TOPMed 0.00001; gnomAD 0.00002.
gnomAD v4.1: 5 of 1,614,068 alleles (0.00031%); highest among the groups gnomAD compares: African/African-American, 0.0027%; no homozygotes.

Submission:

Labcorp Genetics (formerly Invitae), Labcorp
Classification: Pathogenic for Hyper-IgM syndrome type 5. Last evaluated: 2019-03-06. Review status: criteria provided, single submitter. Criteria: Invitae Variant Classification Sherloc (09022015). Collection method: clinical testing. Allele origin: germline.
Comment: For these reasons, this variant has been classified as Pathogenic. Loss-of-function variants in UNG are known to be pathogenic (PMID: 12958596). This variant has not been reported in the literature in individuals with UNG-related disease. This variant is present in population databases (rs772214871, ExAC 0.01%). This sequence change creates a premature translational stop signal (p.Arg229*) in the UNG gene. It is expected to result in an absent or disrupted protein product.

Literature cited by the submitters: PubMed 12958596.

NM_080911.3(UNG):c.685C>T (p.Arg229Ter)

Gene: UNG (uracil DNA glycosylase; plus strand). Cytogenetic location: 12q24.11.
Variant type: single nucleotide variant.
Coding change: c.685C>T on transcript NM_080911.3 (MANE Select); coding-DNA position 685, C replaced by T.
Protein change: p.Arg229Ter; replaces arginine 229 with a stop codon.
Molecular consequence: nonsense.
Genome position (GRCh38, 1-based): chr12:109,103,495, C>T. VCF-style: chr12-109103495-C-T. GRCh37 (hg19) VCF-style: chr12-109541300-C-T.
Other names: c.658C>T, p.Arg220Ter (NM_003362.4); short protein forms R229*, R220*.
Identifiers: ClinVar variation 578381 (VCV000578381.8), dbSNP rs772214871, ClinGen allele CA6772735.
Genomic context (GRCh38, chr12:109,103,495, plus strand): 5'-GTTCTCCTTCTCAACGCTGTCCTCACGGTTCGTGCCCATCAAGCCAACTCTCATAAGGAG[C>T]GAGGCTGGGAGCAGTTCACTGATGCAGTTGTGTCCTGGCTAAATCAGAACTCGAATGGCC-3'